The following is an entry in ClinVar:

NM_000288.4(PEX7):c.576C>T (p.Ile192=)

Gene: PEX7 (peroxisomal biogenesis factor 7; plus strand). Cytogenetic location: 6q23.3.
Variant type: single nucleotide variant.
Coding change: c.576C>T on transcript NM_000288.4 (MANE Select); coding-DNA position 576, C replaced by T.
Protein change: p.Ile192=; no amino-acid change (isoleucine 192 retained).
Molecular consequence: synonymous variant.
Genome position (GRCh38, 1-based): chr6:136,866,676, C>T. VCF-style: chr6-136866676-C-T. GRCh37 (hg19) VCF-style: chr6-137187814-C-T.
Identifiers: ClinVar variation 198066 (VCV000198066.47), dbSNP rs776411851, ClinGen allele CA246556.

ClinVar aggregate classification (germline): Conflicting classifications of pathogenicity. Review status: criteria provided, conflicting classifications (1 of 4 stars). 9 submissions from 8 submitters: Uncertain significance (3); Likely benign (4). 2 of the submissions do not count toward it. Last evaluated 2026-01-20.

Conditions:
PEX7-related disorder. Also called: PEX7-related disorders; PEX7-related condition. Identifiers: MedGen CN239409.
Peroxisome biogenesis disorder 9B. Also called: PEROXISOME BIOGENESIS DISORDER, PEX7-RELATED, ATYPICAL; PEX7-Related Refsum Disease; Refsum disease, adult, 2. Identifiers: Orphanet 773, MedGen C2749346, MONDO:0013945, OMIM 614879.
Rhizomelic chondrodysplasia punctata type 1 (RCDP1). Also called: PEROXISOME BIOGENESIS DISORDER 9; CHONDRODYSTROPHIA CALCIFICANS PUNCTATA; PEX7-Related Rhizomelic Chondrodysplasia Punctata. Identifiers: Orphanet 177, Orphanet 309789, MedGen C1859133, MONDO:0008972, OMIM 215100. Disease mechanism: loss of function.

Allele frequency attached by ClinVar (database versions not stated): ExAC 0.00002; gnomAD 0.00003 and 0.00004; gnomAD exomes 0.00007; TOPMed 0.00009.
gnomAD v4.1: 86 of 1,613,972 alleles (0.0053%); highest among the groups gnomAD compares: Middle Eastern, 0.36%; 1 homozygote.

Submissions (9):

Labcorp Genetics (formerly Invitae), Labcorp
Classification: Likely benign for Peroxisome biogenesis disorder 9B. Last evaluated: 2026-01-20. Review status: criteria provided, single submitter. Criteria: Invitae Variant Classification Sherloc (09022015). Collection method: clinical testing. Allele origin: germline.

PreventionGenetics, part of Exact Sciences
Classification: Likely benign for PEX7-related condition. Last evaluated: 2025-11-07. Review status: criteria provided, single submitter. Criteria: ACMG Guidelines, 2015. Collection method: clinical testing. Allele origin: germline.
Comment: This variant is classified as likely benign based on ACMG/AMP sequence variant interpretation guidelines (Richards et al. 2015 PMID: 25741868, with internal and published modifications).

Blueprint Genetics
Classification: Likely benign. Last evaluated: 2024-10-02. Review status: criteria provided, single submitter. Criteria: ACMG Guidelines, 2015. Collection method: clinical testing. Allele origin: germline.

CeGaT Center for Human Genetics Tuebingen
Classification: Likely benign. Last evaluated: 2022-05-01. Review status: criteria provided, single submitter. Criteria: CeGaT Center For Human Genetics Tuebingen Variant Classification Criteria Version 2. Collection method: clinical testing. Allele origin: germline. Affected: yes. Observed: 1 variant allele.
Comment: PEX7: BP4, BP7

Eurofins Ntd Llc (ga)
Classification: Uncertain significance. Last evaluated: 2018-06-29. Review status: criteria provided, single submitter. Criteria: EGL ClinVar v180209 classification definitions. Collection method: clinical testing. Allele origin: germline. Observed: 3 variant alleles, 3 heterozygotes.

Illumina Laboratory Services, Illumina
Classification: Uncertain significance for Peroxisome biogenesis disorder 9B. Last evaluated: 2018-01-12. Review status: criteria provided, single submitter. Criteria: ICSL Variant Classification Criteria 13 December 2019. Collection method: clinical testing. Allele origin: germline.

Illumina Laboratory Services, Illumina
Classification: Uncertain significance for Rhizomelic chondrodysplasia punctata type 1. Last evaluated: 2018-01-12. Review status: criteria provided, single submitter. Criteria: ICSL Variant Classification Criteria 13 December 2019. Collection method: clinical testing. Allele origin: germline.

Clinical Genetics DNA and cytogenetics Diagnostics Lab, Erasmus MC, Erasmus Medical Center
Classification: Likely benign. Review status: no assertion criteria provided. Collection method: clinical testing. Allele origin: germline. Affected: yes. Study: VKGL Data-share Consensus. Not counted in ClinVar's aggregate classification.

Clinical Genetics, Academic Medical Center
Classification: Likely benign. Review status: no assertion criteria provided. Collection method: clinical testing. Allele origin: germline. Affected: yes. Study: VKGL Data-share Consensus. Not counted in ClinVar's aggregate classification.